The following is an entry in ClinVar:

NM_005045.4(RELN):c.9665T>C (p.Ile3222Thr)

Genes: SLC26A5-AS1 (SLC26A5 antisense RNA 1; plus strand), RELN (reelin; minus strand), LOC126860130 (BRD4-independent group 4 enhancer GRCh37_chr7:103130126-103131325; plus strand). Cytogenetic location: 7q22.1.
Variant type: single nucleotide variant.
Coding change: c.9665T>C on transcript NM_005045.4 (MANE Select); coding-DNA position 9665, T replaced by C.
Protein change: p.Ile3222Thr; replaces isoleucine 3222 with threonine.
Molecular consequence: missense variant.
Genome position (GRCh38, 1-based): chr7:103,489,840, A>G on the plus strand (T>C on the coding strand, the complement: RELN is on the minus strand). VCF-style: chr7-103489840-A-G. GRCh37 (hg19) VCF-style: chr7-103130287-A-G.
Other names: c.9665T>C, p.Ile3222Thr (NM_173054.3); short protein forms I3222T.
Identifiers: ClinVar variation 1433010 (VCV001433010.8), dbSNP rs1828587696, ClinGen allele CA368743930.

ClinVar aggregate classification (germline): Uncertain significance (1 of 4 stars; one submission).

Conditions:
Familial temporal lobe epilepsy 7. Identifiers: Orphanet 101046, MedGen C4225327, MONDO:0014639, OMIM 616436.
Norman-Roberts syndrome (LIS2). Also called: Lissencephaly 2 (Norman-Roberts type). Identifiers: Orphanet 89844, MedGen C0796089, MONDO:0009760, OMIM 257320.

Allele frequency attached by ClinVar (database versions not stated): gnomAD exomes below 0.00001; TOPMed below 0.00001; gnomAD 0.00001.
gnomAD v4.1: 7 of 1,614,150 alleles (0.00043%); highest among the groups gnomAD compares: Middle Eastern, 0.016%; no homozygotes.

Submission:

Labcorp Genetics (formerly Invitae), Labcorp
Classification: Uncertain significance for Familial temporal lobe epilepsy 7; Norman-Roberts syndrome. Last evaluated: 2024-11-16. Review status: criteria provided, single submitter. Criteria: Invitae Variant Classification Sherloc (09022015). Collection method: clinical testing. Allele origin: germline.
Comment: This sequence change replaces isoleucine, which is neutral and non-polar, with threonine, which is neutral and polar, at codon 3222 of the RELN protein (p.Ile3222Thr). This variant is not present in population databases (gnomAD no frequency). This variant has not been reported in the literature in individuals affected with RELN-related conditions. ClinVar contains an entry for this variant (Variation ID: 1433010). Invitae Evidence Modeling of protein sequence and biophysical properties (such as structural, functional, and spatial information, amino acid conservation, physicochemical variation, residue mobility, and thermodynamic stability) indicates that this missense variant is not expected to disrupt RELN protein function with a negative predictive value of 80%. In summary, the available evidence is currently insufficient to determine the role of this variant in disease. Therefore, it has been classified as a Variant of Uncertain Significance.